The following is an entry in ClinVar:

NM_001378778.1(MPDZ):c.1431A>T (p.Thr477=)

Gene: MPDZ (multiple PDZ domain crumbs cell polarity complex component; minus strand). Cytogenetic location: 9p23.
Variant type: single nucleotide variant.
Coding change: c.1431A>T on transcript NM_001378778.1 (MANE Select); coding-DNA position 1431, A replaced by T.
Protein change: p.Thr477=; no amino-acid change (threonine 477 retained).
Molecular consequence: synonymous variant.
Genome position (GRCh38, 1-based): chr9:13,205,959, T>A on the plus strand (A>T on the coding strand, the complement: MPDZ is on the minus strand). VCF-style: chr9-13205959-T-A. GRCh37 (hg19) VCF-style: chr9-13205958-T-A.
Other names: c.1431A>T, p.Thr477= (NM_001261406.2, NM_001261407.2, NM_001330637.2 and 14 more transcripts).
Identifiers: ClinVar variation 1088573 (VCV001088573.23), dbSNP rs369350318, ClinGen allele CA4987784.

ClinVar aggregate classification (germline): Likely benign. Review status: criteria provided, multiple submitters, no conflicts (2 of 4 stars). 2 submissions from 2 submitters: Likely benign (2). Last evaluated 2025-06-24.

gnomAD v4.1: 183 of 1,608,984 alleles (0.011%); highest among the groups gnomAD compares: Non-Finnish European, 0.015%; no homozygotes.

Submissions (2):

Labcorp Genetics (formerly Invitae), Labcorp
Classification: Likely benign. Last evaluated: 2025-06-24. Review status: criteria provided, single submitter. Criteria: Invitae Variant Classification Sherloc (09022015). Collection method: clinical testing. Allele origin: germline.

CeGaT Center for Human Genetics Tuebingen
Classification: Likely benign. Last evaluated: 2024-11-01. Review status: criteria provided, single submitter. Criteria: CeGaT Center For Human Genetics Tuebingen Variant Classification Criteria Version 2. Collection method: clinical testing. Allele origin: germline. Affected: yes. Observed: 1 variant allele.
Comment: MPDZ: BP4, BP7